The following is an entry in ClinVar:

ClinVar aggregate classification (germline): Benign/Likely benign. Review status: criteria provided, multiple submitters, no conflicts (2 of 4 stars). 8 submissions from 8 submitters: Benign (7); Likely benign (1). Last evaluated 2026-02-03.

Conditions:
Retinal dystrophy. Also called: Inherited retinal dystrophy. Identifiers: Orphanet 71862, MedGen C0854723, MeSH D058499, MONDO:0019118, HP:0000556.
Congenital sideroblastic anemia-B-cell immunodeficiency-periodic fever-developmental delay syndrome. Also called: Sideroblastic anemia with B-cell immunodeficiency, periodic fevers, and developmental delay. Identifiers: Orphanet 369861, MedGen C4015172, MONDO:0014487, OMIM 616084.

Allele frequency attached by ClinVar (database versions not stated): gnomAD 0.03661; TOPMed 0.04245; ESP Exome Variant Server 0.04413; 1000 Genomes Project 0.04453; 1000 Genomes Project 30x 0.04622.
gnomAD v4.1: 28,713 of 1,613,944 alleles (1.8%); highest among the groups gnomAD compares: African/African-American, 11%; 609 homozygotes.

Submissions (8):

Labcorp Genetics (formerly Invitae), Labcorp
Classification: Benign for Congenital sideroblastic anemia-B-cell immunodeficiency-periodic fever-developmental delay syndrome. Last evaluated: 2026-02-03. Review status: criteria provided, single submitter. Criteria: Invitae Variant Classification Sherloc (09022015). Collection method: clinical testing. Allele origin: germline.

Women's Health and Genetics/Laboratory Corporation of America, LabCorp
Classification: Benign. Last evaluated: 2026-01-21. Review status: criteria provided, single submitter. Criteria: LabCorp Variant Classification Summary - May 2015. Collection method: clinical testing. Allele origin: germline.

Blueprint Genetics
Classification: Likely benign. Last evaluated: 2024-11-26. Review status: criteria provided, single submitter. Criteria: ACMG Guidelines, 2015. Collection method: clinical testing. Allele origin: germline.

Dept Of Ophthalmology, Nagoya University
Classification: Benign for Retinal dystrophy. Last evaluated: 2023-10-01. Review status: criteria provided, single submitter. Criteria: Submitter's publication. Collection method: research. Allele origin: germline. Affected: yes.

Mayo Clinic Laboratories, Mayo Clinic
Classification: Benign. Last evaluated: 2023-09-10. Review status: criteria provided, single submitter. Criteria: ACMG Guidelines, 2015. Collection method: clinical testing. Allele origin: germline. Observed: 35 variant alleles.

Laboratory for Molecular Medicine, Mass General Brigham Personalized Medicine
Classification: Benign. Last evaluated: 2016-03-29. Review status: criteria provided, single submitter. Criteria: LMM Criteria. Collection method: clinical testing. Allele origin: germline.
Comment: Variant identified in a genome or exome case(s) and assessed due to predicted null impact of the variant or pathogenic assertions in the literature or databases. Disclaimer: This variant has not undergone full assessment. The following are preliminary notes: Frequency

GeneDx
Classification: Benign. Last evaluated: 2015-12-22. Review status: criteria provided, single submitter. Criteria: GeneDx Variant Classification (06012015). Collection method: clinical testing. Allele origin: germline. Affected: yes.
Comment: This variant is considered likely benign or benign based on one or more of the following criteria: it is a conservative change, it occurs at a poorly conserved position in the protein, it is predicted to be benign by multiple in silico algorithms, and/or has population frequency not consistent with disease.

Breakthrough Genomics
Classification: Benign. Review status: criteria provided, single submitter. Criteria: ACMG Guidelines, 2015. Collection method: not provided. Allele origin: germline. Inheritance: Autosomal recessive inheritance. Affected: yes.

NM_182916.3(TRNT1):c.444G>T (p.Ala148=)

Gene: TRNT1 (tRNA nucleotidyl transferase 1; plus strand). Cytogenetic location: 3p26.2.
Variant type: single nucleotide variant.
Coding change: c.444G>T on transcript NM_182916.3 (MANE Select); coding-DNA position 444, G replaced by T.
Protein change: p.Ala148=; no amino-acid change (alanine 148 retained).
Molecular consequence: synonymous variant. On other transcripts: non-coding transcript variant (6).
Genome position (GRCh38, 1-based): chr3:3,140,611, G>T. VCF-style: chr3-3140611-G-T. GRCh37 (hg19) VCF-style: chr3-3182295-G-T.
Other names: p.Ala148=; c.444G>T, p.Ala148= (NM_001302946.2, NM_001367321.1, NM_001367322.1 and 1 more transcripts).
Identifiers: ClinVar variation 380599 (VCV000380599.18), dbSNP rs41399044, ClinGen allele CA2228649.